The following is an entry in ClinVar:

ClinVar aggregate classification (germline): Uncertain significance. Review status: criteria provided, multiple submitters, no conflicts (2 of 4 stars). 2 submissions from 2 submitters: Uncertain significance (2). Last evaluated 2020-07-23.

Submissions (2):

GeneDx
Classification: Uncertain significance. Last evaluated: 2020-07-23. Review status: criteria provided, single submitter. Criteria: GeneDx Variant Classification Process June 2021. Collection method: clinical testing. Allele origin: germline. Affected: yes.
Comment: Not observed in large population cohorts (Lek et al., 2016); In silico analysis supports that this missense variant does not alter protein structure/function; Has not been previously published as pathogenic or benign to our knowledge

Revvity Omics, Revvity
Classification: Uncertain significance. Last evaluated: 2019-06-25. Review status: criteria provided, single submitter. Criteria: ACMG Guidelines, 2015. Collection method: clinical testing. Allele origin: germline.

NM_004287.5(GOSR2):c.448G>A (p.Gly150Arg)

Genes: GOSR2 (golgi SNAP receptor complex member 2; plus strand), LRRC37A2 (leucine rich repeat containing 37 member A2). Cytogenetic location: 17q21.32.
Variant type: single nucleotide variant.
Coding change: c.448G>A on transcript NM_004287.5 (MANE Select); coding-DNA position 448, G replaced by A.
Protein change: p.Gly150Arg; replaces glycine 150 with arginine.
Molecular consequence: missense variant. On other transcripts: non-coding transcript variant (1), intron variant (4).
Genome position (GRCh38, 1-based): chr17:46,935,140, G>A. VCF-style: chr17-46935140-G-A. GRCh37 (hg19) VCF-style: chr17-45012506-G-A.
Other names: c.448G>A, p.Gly150Arg (NM_001012511.3, NM_001321133.2, NM_054022.4); c.445G>A, p.Gly149Arg (NM_001353114.2); c.394G>A, p.Gly132Arg (NM_001363851.2); c.282+2941G>A (NM_001321134.2); c.336+2941G>A (NM_001330252.2); c.333+2941G>A (NM_001353115.2, NM_001353116.2); short protein forms G132R, G149R, G150R.
Identifiers: ClinVar variation 1303937 (VCV001303937.4), dbSNP rs2146973883, ClinGen allele CA400018339.